The following is an entry in ClinVar:

NM_003483.6(HMGA2):c.165C>A (p.Ser55Arg)

Gene: HMGA2 (high mobility group AT-hook 2; plus strand). Cytogenetic location: 12q14.3.
Variant type: single nucleotide variant.
Coding change: c.165C>A on transcript NM_003483.6 (MANE Select); coding-DNA position 165, C replaced by A.
Protein change: p.Ser55Arg; replaces serine 55 with arginine.
Molecular consequence: missense variant.
Genome position (GRCh38, 1-based): chr12:65,828,054, C>A. VCF-style: chr12-65828054-C-A. GRCh37 (hg19) VCF-style: chr12-66221834-C-A.
Other names: c.165C>A, p.Ser55Arg (NM_001330190.1, NM_003484.1, NM_001300918.1 and 1 more transcripts); short protein forms S55R.
Identifiers: ClinVar variation 4539893 (VCV004539893.1).
Genomic context (GRCh38, chr12:65,828,054, plus strand): 5'-CAATTAGGAACCAACCGGTGAGCCCTCTCCTAAGAGACCCAGGGGAAGACCCAAAGGCAG[C>A]AAAAACAAGAGTCCCTCTAAAGCAGCTCAAAAGGTGAGATTTCTCAAGTCAAGCTCTCCT-3'
Protein context (NP_003474.1, residues 45-65): PKRPRGRPKG[Ser55Arg]KNKSPSKAAQ

ClinVar aggregate classification (germline): Uncertain significance (1 of 4 stars; one submission).

Submission:

GeneDx
Classification: Uncertain significance. Last evaluated: 2025-06-25. Review status: criteria provided, single submitter. Criteria: GeneDx Variant Classification Process June 2021. Collection method: clinical testing. Allele origin: germline. Affected: yes.
Comment: Not observed at significant frequency in large population cohorts (gnomAD); In silico analysis supports that this missense variant has a deleterious effect on protein structure/function; Has not been previously published as pathogenic or benign to our knowledge